The following is an entry in ClinVar:

ClinVar aggregate classification (germline): Pathogenic/Likely pathogenic. Review status: criteria provided, multiple submitters, no conflicts (2 of 4 stars). 4 submissions from 4 submitters: Pathogenic (2); Likely pathogenic (2). Last evaluated 2025-01-16.

Conditions:
Ataxia-telangiectasia-like disorder (ATLD). Identifiers: MedGen C1858391, MONDO:0011457.
MRE11A-related disorders.
Hereditary cancer-predisposing syndrome. Also called: Neoplastic Syndromes, Hereditary; Hereditary neoplastic syndrome; Hereditary Cancer Syndrome; Tumor predisposition. Identifiers: Orphanet 140162, MedGen C0027672, MeSH D009386, MONDO:0015356.
Ataxia-telangiectasia-like disorder 1 (ATLD1). Identifiers: Orphanet 251347, MedGen C4012790, MONDO:0024557, OMIM 604391.

Allele frequency attached by ClinVar (database versions not stated): gnomAD exomes below 0.00001; gnomAD 0.00001; TOPMed 0.00002.
gnomAD v4.1: 6 of 1,613,712 alleles (0.00037%); highest among the groups gnomAD compares: Non-Finnish European, 0.00051%; no homozygotes.

Submissions (5):

Labcorp Genetics (formerly Invitae), Labcorp
Classification: Pathogenic for Ataxia-telangiectasia-like disorder. Last evaluated: 2025-01-16. Review status: criteria provided, single submitter. Criteria: Invitae Variant Classification Sherloc (09022015). Collection method: clinical testing. Allele origin: germline.
Comment: This sequence change creates a premature translational stop signal (p.Leu57*) in the MRE11 gene. It is expected to result in an absent or disrupted protein product. Loss-of-function variants in MRE11 are known to be pathogenic (PMID: 23080121, 23912341). This variant is present in population databases (no rsID available, gnomAD 0.0009%). This variant has not been reported in the literature in individuals affected with MRE11-related conditions. ClinVar contains an entry for this variant (Variation ID: 479719). For these reasons, this variant has been classified as Pathogenic.

Baylor Genetics
Classification: Likely pathogenic for Ataxia-telangiectasia-like disorder 1. Last evaluated: 2024-01-25. Review status: criteria provided, single submitter. Criteria: ACMG Guidelines, 2015. Collection method: clinical testing. Allele origin: unknown.

Blueprint Genetics
Classification: Likely pathogenic for MRE11A-related disorders. Last evaluated: 2023-03-27. Review status: criteria provided, single submitter. Criteria: ACMG Guidelines, 2015. Collection method: clinical testing. Allele origin: germline. Affected: yes. Observed: 2 variant alleles.

Ambry Genetics
Classification: Pathogenic for Hereditary cancer-predisposing syndrome. Last evaluated: 2018-02-16. Review status: criteria provided, single submitter. Criteria: Ambry Variant Classification Scheme 2023. Collection method: clinical testing. Allele origin: germline.
Comment: The p.L57* pathogenic mutation (also known as c.170T>G), located in coding exon 3 of the MRE11A gene, results from a T to G substitution at nucleotide position 170. This changes the amino acid from a leucine to a stop codon within coding exon 3. This alteration is expected to result in loss of function by premature protein truncation or nonsense-mediated mRNA decay. As such, this alteration is interpreted as a disease-causing mutation.

Dr. Peter K. Rogan Lab, Western University
No classification provided (evidence only). Condition: Acute myeloid leukemia. Review status: no classification provided. Collection method: in vitro. Allele origin: not applicable. Functional consequence: retained intron. Not counted in ClinVar's aggregate classification.

Literature cited by the submitters: PubMed 23080121 (cited by Labcorp Genetics (formerly Invitae), Labcorp); PubMed 23912341 (cited by Labcorp Genetics (formerly Invitae), Labcorp).

NM_005591.4(MRE11):c.170T>G (p.Leu57Ter)

Gene: MRE11 (MRE11 double strand break repair nuclease; minus strand). Cytogenetic location: 11q21.
Variant type: single nucleotide variant.
Coding change: c.170T>G on transcript NM_005591.4 (MANE Select); coding-DNA position 170, T replaced by G.
Protein change: p.Leu57Ter; replaces leucine 57 with a stop codon.
Molecular consequence: nonsense.
Genome position (GRCh38, 1-based): chr11:94,486,068, A>C on the plus strand (T>G on the coding strand, the complement: MRE11 is on the minus strand). VCF-style: chr11-94486068-A-C. GRCh37 (hg19) VCF-style: chr11-94219234-A-C.
Other names: c.170T>G, p.Leu57Ter (NM_001330347.2, NM_005590.4); short protein forms L57*.
Identifiers: ClinVar variation 479719 (VCV000479719.13), dbSNP rs951805101, ClinGen allele CA16040414.